The following is an entry in ClinVar:

NM_018297.4(NGLY1):c.1168C>T (p.Arg390Ter)

Gene: NGLY1 (N-glycanase 1; minus strand). Cytogenetic location: 3p24.2.
Variant type: single nucleotide variant.
Coding change: c.1168C>T on transcript NM_018297.4 (MANE Select); coding-DNA position 1168, C replaced by T.
Protein change: p.Arg390Ter; replaces arginine 390 with a stop codon.
Molecular consequence: nonsense.
Genome position (GRCh38, 1-based): chr3:25,733,964, G>A on the plus strand (C>T on the coding strand, the complement: NGLY1 is on the minus strand). VCF-style: chr3-25733964-G-A. GRCh37 (hg19) VCF-style: chr3-25775455-G-A.
Other names: c.1114C>T, p.Arg372Ter (NM_001145293.2); c.1042C>T, p.Arg348Ter (NM_001145294.2); c.1168C>T, p.Arg390Ter (NM_001145295.2); short protein forms R390*, R348*, R372*.
Identifiers: ClinVar variation 1456986 (VCV001456986.7), dbSNP rs751805500, ClinGen allele CA351900197.

ClinVar aggregate classification (germline): Pathogenic. Review status: criteria provided, multiple submitters, no conflicts (2 of 4 stars). 2 submissions from 2 submitters: Pathogenic (2). Last evaluated 2025-07-18.

Conditions:
Congenital disorder of deglycosylation 1. Also called: NGLY1-deficiency; NGLY1-Related Congenital Disorder of Deglycosylation. Identifiers: Orphanet 404454, MedGen CN306977, MONDO:0800044, OMIM 615273.
Congenital disorder of deglycosylation (CDDG). Identifiers: MedGen C3808991, MONDO:0031376.

gnomAD v4.1: 6 of 1,613,028 alleles (0.00037%); highest among the groups gnomAD compares: Non-Finnish European, 0.00051%; no homozygotes.

Submissions (2):

First Genomix Gene Laboratory, Genetic Diagnostics Department
Classification: Pathogenic for Congenital disorder of deglycosylation 1. Last evaluated: 2025-07-18. Review status: criteria provided, single submitter. Criteria: ACMG Guidelines, 2015. Collection method: clinical testing. Allele origin: germline. Inheritance: Autosomal recessive inheritance. Affected: no. Observed: 1 variant allele.

Labcorp Genetics (formerly Invitae), Labcorp
Classification: Pathogenic for Congenital disorder of deglycosylation. Last evaluated: 2021-12-02. Review status: criteria provided, single submitter. Criteria: Invitae Variant Classification Sherloc (09022015). Collection method: clinical testing. Allele origin: germline.
Comment: This sequence change creates a premature translational stop signal (p.Arg390*) in the NGLY1 gene. It is expected to result in an absent or disrupted protein product. Loss-of-function variants in NGLY1 are known to be pathogenic (PMID: 24651605). This variant is present in population databases (no rsID available, gnomAD 0.007%). This premature translational stop signal has been observed in individual(s) with NGLY1-CDG (PMID: 32576142). For these reasons, this variant has been classified as Pathogenic.

Literature cited by the submitters: PubMed 24651605 (cited by Labcorp Genetics (formerly Invitae), Labcorp); PubMed 32576142 (cited by Labcorp Genetics (formerly Invitae), Labcorp).